The following is an entry in ClinVar:

ClinVar aggregate classification (germline): Likely benign. Review status: criteria provided, multiple submitters, no conflicts (2 of 4 stars). 2 submissions from 2 submitters: Likely benign (2). Last evaluated 2025-08-31.

Conditions:
Hereditary nonpolyposis colorectal neoplasms. Identifiers: MedGen C0009405, MeSH D003123.

Submissions (2):

Labcorp Genetics (formerly Invitae), Labcorp
Classification: Likely benign for Hereditary nonpolyposis colorectal neoplasms. Last evaluated: 2025-08-31. Review status: criteria provided, single submitter. Criteria: Invitae Variant Classification Sherloc (09022015). Collection method: clinical testing. Allele origin: germline.

GeneDx
Classification: Likely benign. Last evaluated: 2015-12-29. Review status: criteria provided, single submitter. Criteria: GeneDx Variant Classification (06012015). Collection method: clinical testing. Allele origin: germline. Affected: yes.
Comment: This variant is considered likely benign or benign based on one or more of the following criteria: it is a conservative change, it occurs at a poorly conserved position in the protein, it is predicted to be benign by multiple in silico algorithms, and/or has population frequency not consistent with disease.

NM_000535.7(PMS2):c.354-19G>A

Gene: PMS2 (PMS1 homolog 2, mismatch repair system component; minus strand). Cytogenetic location: 7p22.1.
Variant type: single nucleotide variant.
Coding change: c.354-19G>A on transcript NM_000535.7 (MANE Select); 19 bases into the intron before coding-DNA position 354, G replaced by A.
Molecular consequence: intron variant. On other transcripts: missense variant (1).
Genome position (GRCh38, 1-based): chr7:6,002,655, C>T on the plus strand (G>A on the coding strand, the complement: PMS2 is on the minus strand). VCF-style: chr7-6002655-C-T. GRCh37 (hg19) VCF-style: chr7-6042286-C-T.
Other names: c.26G>A, p.Cys9Tyr (NM_001322015.2); c.36-19G>A (NM_001322008.2, NM_001322007.2); c.-52-19G>A (NM_001322010.2, NM_001322004.2, NM_001322013.2 and 3 more transcripts); c.-531-19G>A (NM_001322012.2, NM_001322011.2); c.354-19G>A (NM_001322006.2, NM_001322014.2); short protein forms C9Y.
Identifiers: ClinVar variation 382572 (VCV000382572.2), dbSNP rs888344650, ClinGen allele CA16605856.
Genomic context (GRCh38, chr7:6,002,655, plus strand): 5'-CCAACCTTCGCCGATGCGTGGCAGGTAGAAATGGTGACATCGCTGTGAGAGAATACCAGG[C>T]ATGGTGTGTTCAGTGAGAGACCCATGATGTTGGGCACTGACTACTCTTTTCTTCACTTGC-3'